The following is an entry in ClinVar:

NM_006842.3(SF3B2):c.897T>A (p.Asp299Glu)

Gene: SF3B2 (splicing factor 3b subunit 2; plus strand). Cytogenetic location: 11q13.1.
Variant type: single nucleotide variant.
Coding change: c.897T>A on transcript NM_006842.3 (MANE Select); coding-DNA position 897, T replaced by A.
Protein change: p.Asp299Glu; replaces aspartic acid 299 with glutamic acid.
Molecular consequence: missense variant.
Genome position (GRCh38, 1-based): chr11:66,058,336, T>A. VCF-style: chr11-66058336-T-A. GRCh37 (hg19) VCF-style: chr11-65825807-T-A.
Other names: short protein forms D299E.
Identifiers: ClinVar variation 4976309 (VCV004976309.1).

ClinVar aggregate classification (germline): Uncertain significance (1 of 4 stars; one submission).

Submission:

GeneDx
Classification: Uncertain significance. Last evaluated: 2026-02-05. Review status: criteria provided, single submitter. Criteria: GeneDx Variant Classification Process June 2021. Collection method: clinical testing. Allele origin: germline.
Comment: Has not been previously published as pathogenic or benign to our knowledge; Not observed at significant frequency in large population cohorts (gnomAD); In silico analysis suggests that this missense variant does not alter protein structure/function